The following is an entry in ClinVar:

NM_052844.4(DYNC2I2):c.1453G>A (p.Val485Ile)

Gene: DYNC2I2 (dynein 2 intermediate chain 2; minus strand). Cytogenetic location: 9q34.11.
Variant type: single nucleotide variant.
Coding change: c.1453G>A on transcript NM_052844.4 (MANE Select); coding-DNA position 1453, G replaced by A.
Protein change: p.Val485Ile; replaces valine 485 with isoleucine.
Molecular consequence: missense variant.
Genome position (GRCh38, 1-based): chr9:128,633,902, C>T on the plus strand (G>A on the coding strand, the complement: DYNC2I2 is on the minus strand). VCF-style: chr9-128633902-C-T. GRCh37 (hg19) VCF-style: chr9-131396181-C-T.
Other names: c.1453G>A (NM_052844.3); short protein forms V485I.
Identifiers: ClinVar variation 1681171 (VCV001681171.4), dbSNP rs375843859, ClinGen allele CA200416806.
Genomic context (GRCh38, chr9:128,633,902, plus strand): 5'-CCTGGGCATCGCCCGCAGCCAAGAGCTGAGTCTGCTGGCTGTTGAACTCCAGACAGTAGA[C>T]AGGGCTTTCATCCTGGGTTTGCTTGATCAAAACTGTGGGTTTCTGGGAGCTTTTCTGGAG-3'
Protein context (NP_443076.2, residues 475-495): LIKQTQDESP[Val485Ile]YCLEFNSQQT

ClinVar aggregate classification (germline): Uncertain significance. Review status: criteria provided, multiple submitters, no conflicts (2 of 4 stars). 2 submissions from 2 submitters: Uncertain significance (2). Last evaluated 2024-06-19.

Conditions:
Inborn genetic diseases. Identifiers: MedGen C0950123, MeSH D030342.
Short-rib thoracic dysplasia 11 with or without polydactyly (SRTD11). Also called: SHORT-RIB THORACIC DYSPLASIA 11 WITHOUT POLYDACTYLY. Identifiers: Orphanet 474, Orphanet 93271, MedGen C3810200, MONDO:0014287, OMIM 615633.

Allele frequency attached by ClinVar (database versions not stated): gnomAD exomes below 0.00001; TOPMed below 0.00001.
gnomAD v4.1: 12 of 1,613,374 alleles (0.00074%); highest among the groups gnomAD compares: East Asian, 0.0022%; no homozygotes.

Submissions (2):

Ambry Genetics
Classification: Uncertain significance for Inborn genetic diseases. Last evaluated: 2024-06-19. Review status: criteria provided, single submitter. Criteria: Ambry Variant Classification Scheme 2023. Collection method: clinical testing. Allele origin: germline.

Labcorp Genetics (formerly Invitae), Labcorp
Classification: Uncertain significance for Short-rib thoracic dysplasia 11 with or without polydactyly. Last evaluated: 2021-11-04. Review status: criteria provided, single submitter. Criteria: Invitae Variant Classification Sherloc (09022015). Collection method: clinical testing. Allele origin: germline.
Comment: This sequence change replaces valine, which is neutral and non-polar, with isoleucine, which is neutral and non-polar, at codon 485 of the WDR34 protein (p.Val485Ile). This variant is not present in population databases (gnomAD no frequency). This variant has not been reported in the literature in individuals affected with WDR34-related conditions. Algorithms developed to predict the effect of missense changes on protein structure and function are either unavailable or do not agree on the potential impact of this missense change (SIFT: "Tolerated"; PolyPhen-2: "Possibly Damaging"; Align-GVGD: "Class C0"). In summary, the available evidence is currently insufficient to determine the role of this variant in disease. Therefore, it has been classified as a Variant of Uncertain Significance.